The following is an entry in ClinVar:

NM_001035.3(RYR2):c.1962-15C>A

Gene: RYR2 (ryanodine receptor 2; plus strand). Cytogenetic location: 1q43.
Variant type: single nucleotide variant.
Coding change: c.1962-15C>A on transcript NM_001035.3 (MANE Select); 15 bases into the intron before coding-DNA position 1962, C replaced by A.
Molecular consequence: intron variant.
Genome position (GRCh38, 1-based): chr1:237,496,496, C>A. VCF-style: chr1-237496496-C-A. GRCh37 (hg19) VCF-style: chr1-237659796-C-A.
Identifiers: ClinVar variation 3385680 (VCV003385680.1).
Genomic context (GRCh38, chr1:237,496,496, plus strand): 5'-AATTGTGAGATGTAAATGAAAACAATGAAAGGTTTTTTTGGACTTTCCTTACATGTGATT[C>A]CCGTCTCTTTAAAGCATGAGACCCAATATTTTTCTGGGCGTCAGTGAAGGTTCTGCTCAG-3'

ClinVar aggregate classification (germline): Likely benign (1 of 4 stars; one submission).

Conditions:
Catecholaminergic polymorphic ventricular tachycardia (CVPT). Also called: Catecholamine-induced polymorphic ventricular tachycardia. Identifiers: Orphanet 3286, MedGen C5574922, MONDO:0017990.

gnomAD v4.1: 1 of 1,608,520 alleles (0.000062%); highest among the groups gnomAD compares: African/African-American, 0.0013%; no homozygotes.

Submission:

All of Us Research Program, National Institutes of Health
Classification: Likely benign for Catecholaminergic polymorphic ventricular tachycardia. Last evaluated: 2024-06-09. Review status: criteria provided, single submitter. Criteria: ACMG Guidelines, 2015. Collection method: clinical testing. Allele origin: germline. Inheritance: Autosomal dominant inheritance. Observed: 1 variant allele, 1 heterozygote.
Comment: This study involves interpretation of variants in research participants for the purpose of population health screening. Participant phenotype was not available at the time of variant classification. Additional details can be found in publication PMID: 35346344, PMCID: PMC8962531